The following is an entry in ClinVar:

NM_000219.6(KCNE1):c.51G>T (p.Trp17Cys)

Gene: KCNE1 (potassium voltage-gated channel subfamily E regulatory subunit 1; minus strand). Cytogenetic location: 21q22.12.
Variant type: single nucleotide variant.
Coding change: c.51G>T on transcript NM_000219.6 (MANE Select); coding-DNA position 51, G replaced by T.
Protein change: p.Trp17Cys; replaces tryptophan 17 with cysteine.
Molecular consequence: missense variant.
Genome position (GRCh38, 1-based): chr21:34,449,584, C>A on the plus strand (G>T on the coding strand, the complement: KCNE1 is on the minus strand). VCF-style: chr21-34449584-C-A. GRCh37 (hg19) VCF-style: chr21-35821882-C-A.
Other names: c.51G>T, p.Trp17Cys (NM_001127668.4, NM_001127669.4, NM_001127670.4 and 4 more transcripts); short protein forms W17C.
Identifiers: ClinVar variation 3373912 (VCV003373912.2).
Genomic context (GRCh38, chr21:34,449,584, plus strand): 5'-GCTGCGGGGGGACCTGCGGGCCAGGCCCGACATGTTGCCACCCTGCTGAACTGTCTCCTG[C>A]CACAGCTTGGTCAGAAAGGGCGTCACCGCTGTGGTGTTAGACAGGATCATCCTGGGCATT-3'
Protein context (NP_000210.2, residues 7-27): TAVTPFLTKL[Trp17Cys]QETVQQGGNM

Conditions:
Long QT syndrome 5 (LQT5). Identifiers: Orphanet 101016, Orphanet 768, MedGen C1867904, MONDO:0013372, OMIM 613695.

Submission:

Roden Lab, Vanderbilt University Medical Center
No classification provided (evidence only). Condition: Long QT syndrome 5. Review status: no classification provided. Collection method: in vitro. Allele origin: not applicable. Functional consequence: Effect on ion channel function.
ClinVar note: "not provided" was previously submitted as the classification for the variant. However, the classification appeared to be based only on an observation of functional data so it was converted to no classification on 2025-07-30.